The following is an entry in ClinVar:

NM_017875.4(SLC25A38):c.842G>C (p.Arg281Pro)

Gene: SLC25A38 (solute carrier family 25 member 38; plus strand). Cytogenetic location: 3p22.1.
Variant type: single nucleotide variant.
Coding change: c.842G>C on transcript NM_017875.4 (MANE Select); coding-DNA position 842, G replaced by C.
Protein change: p.Arg281Pro; replaces arginine 281 with proline.
Molecular consequence: missense variant. On other transcripts: synonymous variant (1).
Genome position (GRCh38, 1-based): chr3:39,396,447, G>C. VCF-style: chr3-39396447-G-C. GRCh37 (hg19) VCF-style: chr3-39437938-G-C.
Other names: c.675G>C, p.Pro225= (NM_001354798.2); short protein forms R281P.
Identifiers: ClinVar variation 4876213 (VCV004876213.1).

ClinVar aggregate classification (germline): Uncertain significance (1 of 4 stars; one submission).

Conditions:
Sideroblastic anemia 2. Also called: Anemia, sideroblastic, 2, pyridoxine-refractory. Identifiers: Orphanet 260305, MedGen C4225425, MONDO:0008785, OMIM 205950.

Submission:

Kasturba Medical College, Manipal, Kasturba Medical College, Manipal, Manipal Academy of Higher Education, Manipal, India
Classification: Uncertain significance for Sideroblastic anemia 2. Last evaluated: 2026-06-23. Review status: criteria provided, single submitter. Criteria: ACMG Guidelines, 2015. Collection method: research. Allele origin: maternal. Inheritance: Autosomal recessive inheritance. Affected: yes. Observed: 1 variant allele, 1 heterozygote.
Comment: This variant is absent in the gnomAD (v4.1.0) population database and in our in-house data of 4287 exomes.